The following is an entry in ClinVar:

ClinVar aggregate classification (germline): Uncertain significance (1 of 4 stars; one submission).

Conditions:
Polycystic liver disease 2 (PCLD2). Also called: Polycystic liver disease 2 with or without kidney cysts. Identifiers: Orphanet 2924, MedGen C4310769, MONDO:0014860, OMIM 617004.

gnomAD v4.1: 1 of 1,607,110 alleles (0.000062%); highest among the groups gnomAD compares: East Asian, 0.0022%; no homozygotes.

Submission:

Victorian Clinical Genetics Services, Murdoch Childrens Research Institute
Classification: Uncertain significance for Polycystic liver disease 2. Last evaluated: 2024-10-09. Review status: criteria provided, single submitter. Criteria: ACMG Guidelines, 2015. Collection method: clinical testing. Allele origin: germline. Inheritance: Autosomal dominant inheritance. Affected: yes.
Comment: Based on the classification scheme VCGS_Germline_v1.3.4, this variant is classified as VUS-3B. Following criteria are met: 0102 - Loss of function is a known mechanism of disease in this gene and is associated with polycystic liver disease 2 (MIM#617004). (I) 0107 - This gene is associated with autosomal dominant disease. (I) 0115 - Variants in this gene are known to have variable expressivity. Variable severity has been observed in individuals with the same variant (PMID: 23209713). (I) 0200 - Variant is predicted to result in a missense amino acid change from lysine to threonine. (I) 0251 - This variant is heterozygous. (I) 0302 - Variant is present in gnomAD (v2) <0.001 for a dominant condition (1 heterozygote, 0 homozygotes). (SP) 0309 - An alternative amino acid change at the same position has been observed in gnomAD (v3) (1 heterozygote, 0 homozygotes). (I) 0502 - Missense variant with conflicting in silico predictions and high conservation. (I) 0604 - Variant is not located in an established domain, motif, hotspot or informative constraint region. (I) 0705 - No comparable missense variants have previous evidence for pathogenicity. (I) 0807 - This variant has no previous evidence of pathogenicity. (I) 0905 - No published segregation evidence has been identified for this variant. (I) 1007 - No published functional evidence has been identified for this variant. (I) 1208 - Inheritance information for this variant is not currently available in this individual. (I) Legend: (SP) - Supporting pathogenic, (I) - Information, (SB) - Supporting benign

Literature cited by the submitters: PubMed 23209713.

NM_007214.5(SEC63):c.284A>C (p.Lys95Thr)

Gene: SEC63 (SEC63 homolog, protein translocation regulator; minus strand). Cytogenetic location: 6q21.
Variant type: single nucleotide variant.
Coding change: c.284A>C on transcript NM_007214.5 (MANE Select); coding-DNA position 284, A replaced by C.
Protein change: p.Lys95Thr; replaces lysine 95 with threonine.
Molecular consequence: missense variant.
Genome position (GRCh38, 1-based): chr6:107,924,873, T>G on the plus strand (A>C on the coding strand, the complement: SEC63 is on the minus strand). VCF-style: chr6-107924873-T-G. GRCh37 (hg19) VCF-style: chr6-108246077-T-G.
Other names: short protein forms K95T.
Identifiers: ClinVar variation 3377134 (VCV003377134.1).